The following is an entry in ClinVar:

ClinVar aggregate classification (germline): Uncertain significance (1 of 4 stars; one submission).

gnomAD v4.1: 9 of 1,598,276 alleles (0.00056%); highest among the groups gnomAD compares: South Asian, 0.0088%; no homozygotes.

Submission:

GeneDx
Classification: Uncertain significance. Last evaluated: 2024-07-27. Review status: criteria provided, single submitter. Criteria: GeneDx Variant Classification Process June 2021. Collection method: clinical testing. Allele origin: germline. Affected: yes.
Comment: Not observed at significant frequency in large population cohorts (gnomAD); In silico analysis supports that this missense variant has a deleterious effect on protein structure/function; Has not been previously published as pathogenic or benign to our knowledge

NM_001365999.1(SZT2):c.1028G>C (p.Arg343Pro)

Gene: SZT2 (SZT2 subunit of KICSTOR complex; plus strand). Cytogenetic location: 1p34.2.
Variant type: single nucleotide variant.
Coding change: c.1028G>C on transcript NM_001365999.1 (MANE Select); coding-DNA position 1028, G replaced by C.
Protein change: p.Arg343Pro; replaces arginine 343 with proline.
Molecular consequence: missense variant.
Genome position (GRCh38, 1-based): chr1:43,419,882, G>C. VCF-style: chr1-43419882-G-C. GRCh37 (hg19) VCF-style: chr1-43885553-G-C.
Other names: c.1028G>C, p.Arg343Pro (NM_015284.4); short protein forms R343P.
Identifiers: ClinVar variation 3602320 (VCV003602320.1).